The following continues an entry in ClinVar:

NM_006363.6(SEC23B):c.40C>T (p.Arg14Trp)

Gene: SEC23B. ClinVar aggregate classification (germline): Pathogenic/Likely pathogenic. Pathogenic (13); Likely pathogenic (1).

Submissions 13 to 17 of 17:

Victorian Clinical Genetics Services, Murdoch Childrens Research Institute
Classification: Pathogenic for Congenital dyserythropoietic anemia, type II. Last evaluated: 2020-10-19. Review status: criteria provided, single submitter. Criteria: ACMG Guidelines, 2015. Collection method: clinical testing. Allele origin: germline. Inheritance: Autosomal recessive inheritance.
Comment: Based on the classification scheme VCGS_Germline_v1.3.3, this variant is classified as Pathogenic. Following criteria are met: 0102 - Loss of function is a known mechanism of disease in this gene and is associated with congenital dyserythropoietic anemia type II (MIM#224100). (I) 0106 - This gene is associated with autosomal recessive disease. (I) 0200 - Variant is predicted to result in a missense amino acid change from arginine to tryptophan. (I) 0251 - This variant is heterozygous. (I) 0304 - Variant is present in gnomAD (v2) <0.01 for a recessive condition (67 heterozygotes, 0 homozygotes). (SP) 0309 - An alternative amino acid change at the same position has been observed in gnomAD (v2) (1 heterozygote, 0 homozygotes) (I) 0501 - Missense variant consistently predicted to be damaging by multiple in silico tools or highly conserved with a major amino acid change. (SP) 0604 - Variant is not located in an established domain, motif, hotspot or informative constraint region. (I) 0801 - This variant has strong previous evidence of pathogenicity in unrelated individuals. This variant has been reported in a compound heterozygous state with another pathogenic variant in multiple individuals (ClinVar, PMID: 19621418, 19561605, 25044164). (I) Legend: (SP) - Supporting pathogenic, (I) - Information, (SB) - Supporting benign

Eurofins Ntd Llc (ga)
Classification: Pathogenic. Last evaluated: 2015-08-26. Review status: criteria provided, single submitter. Criteria: EGL Classification Definitions. Collection method: clinical testing. Allele origin: germline. Observed: 6 variant alleles, 6 heterozygotes.

PreventionGenetics, part of Exact Sciences
Classification: Pathogenic for SEC23B-related condition. Last evaluated: 2024-03-05. Review status: no assertion criteria provided. Collection method: clinical testing. Allele origin: germline. Not counted in ClinVar's aggregate classification.
Comment: The SEC23B c.40C>T variant is predicted to result in the amino acid substitution p.Arg14Trp. This variant has been reported to be causative for autosomal recessive congenital dyserythropoietic anemia (CDA) type II in the homozygous or compound heterozygous states (Bianchi et al. 2009. PubMed ID: 19621418; Schwarz et al. 2009. PubMed ID: 19561605; Iolascon et al. 2010. PubMed ID: 20015893; Russo et al. 2011. PubMed ID: 21850656). This variant is reported in 0.059% of alleles in individuals of Latino descent in gnomAD. This variant is interpreted as pathogenic.

OMIM
Classification: Pathogenic for ANEMIA, CONGENITAL DYSERYTHROPOIETIC, TYPE II. Last evaluated: 2009-09-01. Review status: no assertion criteria provided. Collection method: literature only. Allele origin: germline. Not counted in ClinVar's aggregate classification.

Department of Pathology and Laboratory Medicine, Sinai Health System
Classification: Pathogenic. Review status: no assertion criteria provided. Collection method: clinical testing. Allele origin: unknown. Affected: yes. Study: The Canadian Open Genetics Repository (COGR). Not counted in ClinVar's aggregate classification.
Comment: The SEC23B p.R14W variant was identified in 36 of 178 proband chromosomes (frequency: 0.202; 1 homozygote, 3 heterozygotes, and 31 compound heterozygotes) from individuals or families with Congenital Dyserythropoietic Anemia type II (CDAII) (Punzo_2011_PMID:22208203; Russo_2011_PMID:21850656; Iolascon_2010_PMID:20015893; Bianchi_2009_PMID:19621418). The variant was identified in dbSNP (ID: rs121918222) and ClinVar (classified as pathogenic by Invitae, GeneDx and EGL Genetic Diagnostics for congenital dyserythropoietic anemia, type II). The variant was identified in control databases in 67 of 282848 chromosomes at a frequency of 0.0002369 (Genome Aggregation Database March 6, 2019, v2.1.1). The variant was observed in the following populations: Latino in 21 of 35440 chromosomes (freq: 0.000593), Other in 4 of 7224 chromosomes (freq: 0.000554), European (non-Finnish) in 32 of 129154 chromosomes (freq: 0.000248), Ashkenazi Jewish in 2 of 10368 chromosomes (freq: 0.000193), East Asian in 3 of 19954 chromosomes (freq: 0.00015), South Asian in 3 of 30616 chromosomes (freq: 0.000098), African in 1 of 24972 chromosomes (freq: 0.00004), and European (Finnish) in 1 of 25120 chromosomes (freq: 0.00004). The variant occurs outside of the splicing consensus sequence and in silico or computational prediction software programs (SpliceSiteFinder, MaxEntScan, NNSPLICE, GeneSplicer) do not predict a difference in splicing. The p.Arg14 residue is conserved in mammals but not in more distantly related organisms, and four out of five computational analyses (PolyPhen-2, SIFT, AlignGVGD, BLOSUM, MutationTaster) suggest that the variant may impact the protein; however, this information is not predictive enough to assume pathogenicity. Functional studies demonstrated that the p.R14W variant resulted in <5% of detectable protein compared to wildtype, however the p.R14W variant was coimmunoprecipitated by SEC24D simlarly to wildtype (Schwarz_2009_PMID:19561605). In addition, Satchwell et al. conducted in vitro studies to track the appearance of the CDAII phenotype during erythroblast differentiation in 5 unrelated patients, 3 of whom were compound heterozygotes for the p.R14W variant; patient erythroblasts displayed the characteristic CDAII phenotype including multinuclearity, erythrocyte membrane protein hypoglycosylation, and residual endoplasmic reticulum (Satchwell_2013_PMID:23935019). In summary, based on the above information this variant meets our laboratoryâ€šÃ„Ã´s criteria to be classified as pathogenic.

Literature cited by the submitters: PubMed 19561605 (cited by 5 submitters); PubMed 19621418 (cited by 4 submitters); PubMed 20015893 (cited by 3 submitters); PubMed 21850656 (cited by Labcorp Genetics (formerly Invitae), Labcorp and Center for Genomic Medicine, Rigshospitalet, Copenhagen University Hospital); PubMed 37373084 (cited by BloodGenetics); PubMed 22208203 (cited by Center for Genomic Medicine, Rigshospitalet, Copenhagen University Hospital); PubMed 23935019 (cited by Center for Genomic Medicine, Rigshospitalet, Copenhagen University Hospital); PubMed 21252497 (cited by Mayo Clinic Laboratories, Mayo Clinic); PubMed 27471141 (cited by Mayo Clinic Laboratories, Mayo Clinic); PubMed 29846281 (cited by Mayo Clinic Laboratories, Mayo Clinic); PubMed 25044164 (cited by Victorian Clinical Genetics Services, Murdoch Childrens Research Institute).